The following is an entry in ClinVar:

NM_001035.3(RYR2):c.2324T>G (p.Val775Gly)

Gene: RYR2 (ryanodine receptor 2; plus strand). Cytogenetic location: 1q43.
Variant type: single nucleotide variant.
Coding change: c.2324T>G on transcript NM_001035.3 (MANE Select); coding-DNA position 2324, T replaced by G.
Protein change: p.Val775Gly; replaces valine 775 with glycine.
Molecular consequence: missense variant.
Genome position (GRCh38, 1-based): chr1:237,500,831, T>G. VCF-style: chr1-237500831-T-G. GRCh37 (hg19) VCF-style: chr1-237664131-T-G.
Other names: short protein forms V775G.
Identifiers: ClinVar variation 5028686 (VCV005028686.1).

ClinVar aggregate classification (germline): Uncertain significance (1 of 4 stars; one submission).

Conditions:
Cardiovascular phenotype. Identifiers: MedGen CN230736.

Submission:

Ambry Genetics
Classification: Uncertain significance for Cardiovascular phenotype. Last evaluated: 2026-07-13. Review status: criteria provided, single submitter. Criteria: Ambry Variant Classification Scheme 2023. Collection method: clinical testing. Allele origin: germline.
Comment: The p.V775G variant (also known as c.2324T>G), located in coding exon 21 of the RYR2 gene, results from a T to G substitution at nucleotide position 2324. The valine at codon 775 is replaced by glycine, an amino acid with dissimilar properties. This amino acid position is conserved. In addition, this alteration is predicted to be deleterious by in silico analysis. Based on the available evidence, the clinical significance of this variant remains unclear.